The following is an entry in ClinVar:

NM_024529.5(CDC73):c.296A>G (p.Asn99Ser)

Gene: CDC73 (cell division cycle 73; plus strand). Cytogenetic location: 1q31.2.
Variant type: single nucleotide variant.
Coding change: c.296A>G on transcript NM_024529.5 (MANE Select); coding-DNA position 296, A replaced by G.
Protein change: p.Asn99Ser; replaces asparagine 99 with serine.
Molecular consequence: missense variant.
Genome position (GRCh38, 1-based): chr1:193,130,232, A>G. VCF-style: chr1-193130232-A-G. GRCh37 (hg19) VCF-style: chr1-193099362-A-G.
Other names: short protein forms N99S.
Identifiers: ClinVar variation 403888 (VCV000403888.14), dbSNP rs1060500017, ClinGen allele CA16609955.

ClinVar aggregate classification (germline): Uncertain significance. Review status: criteria provided, multiple submitters, no conflicts (2 of 4 stars). 2 submissions from 2 submitters: Uncertain significance (2). Last evaluated 2025-07-28.

Conditions:
Hereditary cancer-predisposing syndrome. Also called: Neoplastic Syndromes, Hereditary; Hereditary Cancer Syndrome; Tumor predisposition; Hereditary neoplastic syndrome. Identifiers: Orphanet 140162, MedGen C0027672, MeSH D009386, MONDO:0015356.
Parathyroid carcinoma (PRTC). Also called: CDC73-Related Parathyroid Carcinoma; Parathyroid gland carcinoma. Identifiers: Orphanet 143, MedGen C0687150, MONDO:0012004, OMIM 608266, HP:0006780.

Allele frequency attached by ClinVar (database versions not stated): gnomAD exomes below 0.00001.
gnomAD v4.1: 2 of 1,596,106 alleles (0.00013%); highest among the groups gnomAD compares: African/African-American, 0.0013%; no homozygotes.

Submissions (2):

Ambry Genetics
Classification: Uncertain significance for Hereditary cancer-predisposing syndrome. Last evaluated: 2025-07-28. Review status: criteria provided, single submitter. Criteria: Ambry Variant Classification Scheme 2023. Collection method: clinical testing. Allele origin: germline.
Comment: The p.N99S variant (also known as c.296A>G), located in coding exon 3 of the CDC73 gene, results from an A to G substitution at nucleotide position 296. The asparagine at codon 99 is replaced by serine, an amino acid with highly similar properties. This amino acid position is conserved. In addition, this alteration is predicted to be tolerated by in silico analysis. Since supporting evidence is limited at this time, the clinical significance of this alteration remains unclear.

Labcorp Genetics (formerly Invitae), Labcorp
Classification: Uncertain significance for Parathyroid carcinoma. Last evaluated: 2024-10-14. Review status: criteria provided, single submitter. Criteria: Invitae Variant Classification Sherloc (09022015). Collection method: clinical testing. Allele origin: germline.
Comment: This sequence change replaces asparagine, which is neutral and polar, with serine, which is neutral and polar, at codon 99 of the CDC73 protein (p.Asn99Ser). This variant is not present in population databases (gnomAD no frequency). This variant has not been reported in the literature in individuals affected with CDC73-related conditions. ClinVar contains an entry for this variant (Variation ID: 403888). Invitae Evidence Modeling of protein sequence and biophysical properties (such as structural, functional, and spatial information, amino acid conservation, physicochemical variation, residue mobility, and thermodynamic stability) indicates that this missense variant is not expected to disrupt CDC73 protein function with a negative predictive value of 80%. In summary, the available evidence is currently insufficient to determine the role of this variant in disease. Therefore, it has been classified as a Variant of Uncertain Significance.